The following is an entry in ClinVar:

ClinVar aggregate classification (germline): Benign/Likely benign. Review status: criteria provided, multiple submitters, no conflicts (2 of 4 stars). 6 submissions from 6 submitters: Benign (2); Likely benign (4). Last evaluated 2026-01-28.

Conditions:
Hermansky-Pudlak syndrome 9 (HPS9). Identifiers: Orphanet 280663, Orphanet 79430, MedGen C3280026, MONDO:0013606, OMIM 614171.

Allele frequency attached by ClinVar (database versions not stated): gnomAD exomes 0.00025 and 0.00074; gnomAD 0.00292 and 0.00306; ExAC 0.00303; TOPMed 0.00317; ESP Exome Variant Server 0.00355; 1000 Genomes Project 0.00359; 1000 Genomes Project 30x 0.00390.
gnomAD v4.1: 815 of 1,584,574 alleles (0.051%); highest among the groups gnomAD compares: African/African-American, 0.98%; 2 homozygotes.

Submissions (6):

Labcorp Genetics (formerly Invitae), Labcorp
Classification: Benign for Hermansky-Pudlak syndrome 9. Last evaluated: 2026-01-28. Review status: criteria provided, single submitter. Criteria: Invitae Variant Classification Sherloc (09022015). Collection method: clinical testing. Allele origin: germline.

Mayo Clinic Laboratories, Mayo Clinic
Classification: Benign. Last evaluated: 2025-04-02. Review status: criteria provided, single submitter. Criteria: ACMG Guidelines, 2015. Collection method: clinical testing. Allele origin: germline. Observed: 2 variant alleles.
Comment: BA1, BP4_moderate

Blueprint Genetics
Classification: Likely benign. Last evaluated: 2024-06-27. Review status: criteria provided, single submitter. Criteria: ACMG Guidelines, 2015. Collection method: clinical testing. Allele origin: germline.

CeGaT Center for Human Genetics Tuebingen
Classification: Likely benign. Last evaluated: 2023-02-01. Review status: criteria provided, single submitter. Criteria: CeGaT Center For Human Genetics Tuebingen Variant Classification Criteria Version 2. Collection method: clinical testing. Allele origin: germline. Affected: yes. Observed: 1 variant allele.
Comment: BLOC1S6: BP4, BS1

Genetic Services Laboratory, University of Chicago
Classification: Likely benign. Last evaluated: 2015-11-10. Review status: criteria provided, single submitter. Criteria: ACMG Guidelines, 2015. Collection method: clinical testing. Allele origin: germline. Affected: no.

Breakthrough Genomics
Classification: Likely benign. Review status: criteria provided, single submitter. Criteria: ACMG Guidelines, 2015. Collection method: not provided. Allele origin: germline. Inheritance: Autosomal recessive inheritance. Affected: yes.

NM_012388.4(BLOC1S6):c.34G>A (p.Ala12Thr)

Gene: BLOC1S6 (biogenesis of lysosomal organelles complex 1 subunit 6; plus strand). Cytogenetic location: 15q21.1.
Variant type: single nucleotide variant.
Coding change: c.34G>A on transcript NM_012388.4 (MANE Select); coding-DNA position 34, G replaced by A.
Protein change: p.Ala12Thr; replaces alanine 12 with threonine.
Molecular consequence: missense variant. On other transcripts: non-coding transcript variant (5).
Genome position (GRCh38, 1-based): chr15:45,587,477, G>A. VCF-style: chr15-45587477-G-A. GRCh37 (hg19) VCF-style: chr15-45879675-G-A.
Other names: p.Ala12Thr; short protein forms A12T.
Identifiers: ClinVar variation 434516 (VCV000434516.43), dbSNP rs145762743, ClinGen allele CA7544218.